The following is an entry in ClinVar:

ClinVar aggregate classification (germline): Uncertain significance. Review status: criteria provided, multiple submitters, no conflicts (2 of 4 stars). 2 submissions from 2 submitters: Uncertain significance (2). Last evaluated 2025-11-03.

Conditions:
Autosomal recessive limb-girdle muscular dystrophy type 2Q (LGMDR17). Also called: MUSCULAR DYSTROPHY, LIMB-GIRDLE, AUTOSOMAL RECESSIVE 17. Identifiers: Orphanet 254361, MedGen C3150989, MONDO:0013390, OMIM 613723.
Epidermolysis bullosa simplex 5B, with muscular dystrophy (EBS5B). Also called: EPIDERMOLYSIS BULLOSA SIMPLEX AND LIMB-GIRDLE MUSCULAR DYSTROPHY; Epidermolysis bullosa simplex with muscular dystrophy. Identifiers: Orphanet 257, MedGen C2931072, MONDO:0009181, OMIM 226670.
Epidermolysis bullosa simplex, Ogna type (EBS5A). Also called: Pidermolysis bullosa simplex 5A, Ogna type; EPIDERMOLYSIS BULLOSA SIMPLEX 5A, OGNA TYPE. Identifiers: Orphanet 79401, MedGen C0432317, MONDO:0007555, OMIM 131950.
Epidermolysis bullosa simplex with nail dystrophy (EBS5D). Identifiers: MedGen C4225309, MONDO:0014661, OMIM 616487.
Epidermolysis bullosa simplex 5C, with pyloric atresia (EBS5C). Also called: Epidermolysis bullosa simplex with pyloric atresia; PLEC1-Related Epidermolysis Bullosa with Pyloric Atresia; PLEC-Related Epidermolysis Bullosa with Pyloric Atresia. Identifiers: Orphanet 158684, MedGen C2677349, MONDO:0012807, OMIM 612138.
Inborn genetic diseases. Identifiers: MedGen C0950123, MeSH D030342.

Allele frequency attached by ClinVar (database versions not stated): gnomAD 0.00001 and 0.00002; gnomAD exomes 0.00001; ExAC 0.00002; TOPMed 0.00002.
gnomAD v4.1: 20 of 1,587,220 alleles (0.0013%); highest among the groups gnomAD compares: African/African-American, 0.0027%; no homozygotes.

Submissions (2):

Labcorp Genetics (formerly Invitae), Labcorp
Classification: Uncertain significance for Autosomal recessive limb-girdle muscular dystrophy type 2Q; Epidermolysis bullosa simplex, Ogna type; Epidermolysis bullosa simplex with nail dystrophy; Epidermolysis bullosa simplex 5C, with pyloric atresia; Epidermolysis bullosa simplex 5B, with muscular dystrophy. Last evaluated: 2025-11-03. Review status: criteria provided, single submitter. Criteria: Invitae Variant Classification Sherloc (09022015). Collection method: clinical testing. Allele origin: germline.
Comment: This sequence change replaces arginine, which is basic and polar, with threonine, which is neutral and polar, at codon 3889 of the PLEC protein (p.Arg3889Thr). This variant is present in population databases (rs2857817, gnomAD 0.008%). This variant has not been reported in the literature in individuals affected with PLEC-related conditions. ClinVar contains an entry for this variant (Variation ID: 1482491). An algorithm developed to predict the effect of missense changes on protein structure and function (PolyPhen-2) suggests that this variant is likely to be disruptive. In summary, the available evidence is currently insufficient to determine the role of this variant in disease. Therefore, it has been classified as a Variant of Uncertain Significance.

Ambry Genetics
Classification: Uncertain significance for Inborn genetic diseases. Last evaluated: 2025-03-11. Review status: criteria provided, single submitter. Criteria: Ambry Variant Classification Scheme 2023. Collection method: clinical testing. Allele origin: germline.

NM_201384.3(PLEC):c.11585G>C (p.Arg3862Thr)

Gene: PLEC (plectin; minus strand). Cytogenetic location: 8q24.3.
Variant type: single nucleotide variant.
Coding change: c.11585G>C on transcript NM_201384.3 (MANE Select); coding-DNA position 11585, G replaced by C.
Protein change: p.Arg3862Thr; replaces arginine 3862 with threonine.
Molecular consequence: missense variant.
Genome position (GRCh38, 1-based): chr8:143,918,236, C>G on the plus strand (G>C on the coding strand, the complement: PLEC is on the minus strand). VCF-style: chr8-143918236-C-G. GRCh37 (hg19) VCF-style: chr8-144992404-C-G.
Other names: c.11666G>C (NM_000445.3); c.11666G>C, p.Arg3889Thr (NM_000445.5); c.11543G>C, p.Arg3848Thr (NM_201378.4); c.11519G>C, p.Arg3840Thr (NM_201379.3); c.11996G>C, p.Arg3999Thr (NM_201380.4); c.11489G>C, p.Arg3830Thr (NM_201381.3); c.11585G>C, p.Arg3862Thr (NM_201382.4); c.11597G>C, p.Arg3866Thr (NM_201383.3); short protein forms R3866T, R3830T, R3999T, R3840T, R3848T, R3862T, R3889T.
Identifiers: ClinVar variation 1482491 (VCV001482491.12), dbSNP rs2857817, ClinGen allele CA4924307.